The following is an entry in ClinVar:

NM_001134673.4(NFIA):c.17_18del (p.Cys6fs)

Gene: NFIA (nuclear factor I A; plus strand). Cytogenetic location: 1p31.3.
Variant type: Deletion.
Coding change: c.17_18del on transcript NM_001134673.4 (MANE Select); coding-DNA positions 17 to 18, 2 bases deleted (GT; older notation c.17_18delGT).
Protein change: p.Cys6fs; shifts the reading frame from cysteine 6.
Molecular consequence: frameshift variant. On other transcripts: intron variant (1).
Genome position (GRCh38, 1-based): chr1:61,082,808-61,082,809, GT deleted; deleting any 2 consecutive bases within chr1:61,082,807-61,082,809 gives the same sequence; the c. name uses the placement nearest the transcript's 3' end. VCF-style (leftmost placement, unchanged base first): chr1-61082806-CTG-C. GRCh37 (hg19) VCF-style: chr1-61548478-CTG-C.
Other names: c.152_153del, p.Cys51fs (NM_001145512.2); c.17_18del, p.Cys6fs (NM_005595.5); c.3+5180_3+5181del (NM_001145511.2); short protein forms C51fs, C6fs.
Identifiers: ClinVar variation 3344300 (VCV003344300.1).

ClinVar aggregate classification (germline): Likely pathogenic (0 of 4 stars; one submission).

Conditions:
NFIA-Related Disorder. Also called: NFIA-related condition; NFIA-related disorders. Identifiers: MedGen CN381099.

Submission:

PreventionGenetics, part of Exact Sciences
Classification: Likely pathogenic for NFIA-related condition. Last evaluated: 2024-09-25. Review status: no assertion criteria provided. Collection method: clinical testing. Allele origin: germline.
Comment: The NFIA c.17_18delGT variant is predicted to result in a frameshift and premature protein termination (p.Cys6Serfs*5). To our knowledge, this variant has not been reported in the literature or in a large population database, indicating this variant is rare. Frameshift variants in NFIA are expected to be pathogenic. This variant is interpreted as likely pathogenic.